The following is an entry in ClinVar:

NM_001844.5(COL2A1):c.3581G>A (p.Gly1194Asp)

Gene: COL2A1 (collagen type II alpha 1 chain; minus strand). Cytogenetic location: 12q13.11.
Variant type: single nucleotide variant.
Coding change: c.3581G>A on transcript NM_001844.5 (MANE Select); coding-DNA position 3581, G replaced by A.
Protein change: p.Gly1194Asp; replaces glycine 1194 with aspartic acid.
Molecular consequence: missense variant.
Genome position (GRCh38, 1-based): chr12:47,975,979, C>T on the plus strand (G>A on the coding strand, the complement: COL2A1 is on the minus strand). VCF-style: chr12-47975979-C-T. GRCh37 (hg19) VCF-style: chr12-48369762-C-T.
Other names: c.3374G>A, p.Gly1125Asp (NM_033150.3); short protein forms G1125D, G1194D.
Identifiers: ClinVar variation 3360552 (VCV003360552.1).

ClinVar aggregate classification (germline): Pathogenic (1 of 4 stars; one submission).

Submission:

GeneDx
Classification: Pathogenic. Last evaluated: 2023-06-29. Review status: criteria provided, single submitter. Criteria: GeneDx Variant Classification Process June 2021. Collection method: clinical testing. Allele origin: germline. Affected: yes.
Comment: Occurs in the triple helical domain and replaces a glycine in a canonical Gly-X-Y repeat; missense substitution of a canonical glycine residue is expected to disrupt normal protein folding and function, and this is an established mechanism of disease (Jovanovic et al., 2021); Not observed at significant frequency in large population cohorts (gnomAD); In silico analysis supports that this missense variant has a deleterious effect on protein structure/function; Has not been previously published as pathogenic or benign to our knowledge; This variant is associated with the following publications: (PMID: 34007986)